The following is an entry in ClinVar:

ClinVar aggregate classification (germline): Benign/Likely benign. Review status: criteria provided, multiple submitters, no conflicts (2 of 4 stars). 4 submissions from 4 submitters: Benign (1); Likely benign (3). Last evaluated 2025-10-22.

Conditions:
Hereditary cancer-predisposing syndrome. Also called: Tumor predisposition; Hereditary neoplastic syndrome; Neoplastic Syndromes, Hereditary; Hereditary Cancer Syndrome. Identifiers: Orphanet 140162, MedGen C0027672, MeSH D009386, MONDO:0015356.
Familial adenomatous polyposis 1 (FAP1). Also called: POLYPOSIS, ADENOMATOUS INTESTINAL; FAMILIAL ADENOMATOUS POLYPOSIS 1, ATTENUATED. Identifiers: MedGen C2713442, MONDO:0021056, OMIM 175100. Disease mechanism: loss of function.

Submissions (4):

Ambry Genetics
Classification: Likely benign for Hereditary cancer-predisposing syndrome. Last evaluated: 2025-10-22. Review status: criteria provided, single submitter. Criteria: Ambry Variant Classification Scheme 2023. Collection method: clinical testing. Allele origin: germline.

Labcorp Genetics (formerly Invitae), Labcorp
Classification: Likely benign for Familial adenomatous polyposis 1. Last evaluated: 2024-04-29. Review status: criteria provided, single submitter. Criteria: Invitae Variant Classification Sherloc (09022015). Collection method: clinical testing. Allele origin: germline.

Myriad Genetics, Inc.
Classification: Benign for Familial adenomatous polyposis 1. Last evaluated: 2024-04-10. Review status: criteria provided, single submitter. Criteria: Myriad Autosomal Dominant, Autosomal Recessive and X-Linked Classification Criteria (2023). Collection method: clinical testing. Allele origin: unknown.
Comment: This variant is considered benign. This variant is a silent/synonymous amino acid change and it is not expected to impact splicing.

Blueprint Genetics
Classification: Likely benign. Last evaluated: 2021-06-10. Review status: criteria provided, single submitter. Criteria: ACMG Guidelines, 2015. Collection method: clinical testing. Allele origin: germline.

NM_000038.6(APC):c.7782T>G (p.Ser2594=)

Gene: APC (APC regulator of Wnt signaling pathway; plus strand). Cytogenetic location: 5q22.2.
Variant type: single nucleotide variant.
Coding change: c.7782T>G on transcript NM_000038.6 (MANE Select); coding-DNA position 7782, T replaced by G.
Protein change: p.Ser2594=; no amino-acid change (serine 2594 retained).
Molecular consequence: synonymous variant.
Genome position (GRCh38, 1-based): chr5:112,843,376, T>G. VCF-style: chr5-112843376-T-G. GRCh37 (hg19) VCF-style: chr5-112179073-T-G.
Other names: c.7782T>G, p.Ser2594= (NM_001127510.3, NM_001354895.2); c.7728T>G, p.Ser2576= (NM_001127511.3); c.7836T>G, p.Ser2612= (NM_001354896.2); c.7812T>G, p.Ser2604= (NM_001354897.2); c.7707T>G, p.Ser2569= (NM_001354898.2); c.7698T>G, p.Ser2566= (NM_001354899.2); c.7659T>G, p.Ser2553= (NM_001354900.2); c.7605T>G, p.Ser2535= (NM_001354901.2); and 5 more.
Identifiers: ClinVar variation 758593 (VCV000758593.12), dbSNP rs1580686545, ClinGen allele CA446211225.